The following is an entry in ClinVar:

NM_014055.4(IFT81):c.1955G>C (p.Cys652Ser)

Gene: IFT81 (intraflagellar transport 81; plus strand). Cytogenetic location: 12q24.11.
Variant type: single nucleotide variant.
Coding change: c.1955G>C on transcript NM_014055.4 (MANE Select); coding-DNA position 1955, G replaced by C.
Protein change: p.Cys652Ser; replaces cysteine 652 with serine.
Molecular consequence: missense variant. On other transcripts: non-coding transcript variant (4).
Genome position (GRCh38, 1-based): chr12:110,218,150, G>C. VCF-style: chr12-110218150-G-C. GRCh37 (hg19) VCF-style: chr12-110655955-G-C.
Other names: c.1955G>C, p.Cys652Ser (NM_001143779.2); c.1025G>C, p.Cys342Ser (NM_001347947.2, NM_001347948.2); short protein forms C652S, C342S.
Identifiers: ClinVar variation 1927455 (VCV001927455.5), dbSNP rs1413929265, ClinGen allele CA386911062.

ClinVar aggregate classification (germline): Uncertain significance (1 of 4 stars; one submission).

Allele frequency attached by ClinVar (database versions not stated): gnomAD 0.00001; TOPMed 0.00002; gnomAD exomes below 0.00001.
gnomAD v4.1: 4 of 1,589,702 alleles (0.00025%); highest among the groups gnomAD compares: African/African-American, 0.0027%; no homozygotes.

Submission:

Labcorp Genetics (formerly Invitae), Labcorp
Classification: Uncertain significance. Last evaluated: 2022-06-05. Review status: criteria provided, single submitter. Criteria: Invitae Variant Classification Sherloc (09022015). Collection method: clinical testing. Allele origin: germline.
Comment: This sequence change replaces cysteine, which is neutral and slightly polar, with serine, which is neutral and polar, at codon 652 of the IFT81 protein (p.Cys652Ser). This variant is not present in population databases (gnomAD no frequency). This variant has not been reported in the literature in individuals affected with IFT81-related conditions. Algorithms developed to predict the effect of missense changes on protein structure and function are either unavailable or do not agree on the potential impact of this missense change (SIFT: "Deleterious"; PolyPhen-2: "Possibly Damaging"; Align-GVGD: "Class C0"). In summary, the available evidence is currently insufficient to determine the role of this variant in disease. Therefore, it has been classified as a Variant of Uncertain Significance.